The following is an entry in ClinVar:

NM_198578.4(LRRK2):c.5179C>G (p.Leu1727Val)

Gene: LRRK2 (leucine rich repeat kinase 2; plus strand). Cytogenetic location: 12q12.
Variant type: single nucleotide variant.
Coding change: c.5179C>G on transcript NM_198578.4 (MANE Select); coding-DNA position 5179, C replaced by G.
Protein change: p.Leu1727Val; replaces leucine 1727 with valine.
Molecular consequence: missense variant.
Genome position (GRCh38, 1-based): chr12:40,322,043, C>G. VCF-style: chr12-40322043-C-G. GRCh37 (hg19) VCF-style: chr12-40715845-C-G.
Other names: short protein forms L1727V.
Identifiers: ClinVar variation 2489421 (VCV002489421.2), dbSNP rs1422213974, ClinGen allele CA384420175.
Genomic context (GRCh38, chr12:40,322,043, plus strand): 5'-TTTTTCCCTTTAACTTAGGAAGCAGTTAATAATTAATGGCTCCATTTTTTAGAACGAGCA[C>G]TTCGCCCAAACAGAATGTATTGGCGACAAGGCATTTACTTAAATTGGTCTCCTGAAGCTT-3'
Protein context (NP_940980.4, residues 1717-1737): PYMLSGRERA[Leu1727Val]RPNRMYWRQG

ClinVar aggregate classification (germline): Uncertain significance (1 of 4 stars; one submission).

Conditions:
Inborn genetic diseases. Identifiers: MedGen C0950123, MeSH D030342.

Allele frequency attached by ClinVar (database versions not stated): gnomAD exomes below 0.00001.
gnomAD v4.1: 2 of 1,613,244 alleles (0.00012%); highest among the groups gnomAD compares: Non-Finnish European, 0.00017%; no homozygotes.

Submission:

Ambry Genetics
Classification: Uncertain significance for Inborn genetic diseases. Last evaluated: 2022-11-16. Review status: criteria provided, single submitter. Criteria: Ambry Variant Classification Scheme 2023. Collection method: clinical testing. Allele origin: germline.
Comment: The p.L1727V variant (also known as c.5179C>G), located in coding exon 36 of the LRRK2 gene, results from a C to G substitution at nucleotide position 5179. The leucine at codon 1727 is replaced by valine, an amino acid with highly similar properties. This amino acid position is conserved. In addition, this alteration is predicted to be tolerated by in silico analysis. Since supporting evidence is limited at this time, the clinical significance of this alteration remains unclear.